The following is an entry in ClinVar:

NM_201548.5(CERKL):c.444_445dup (p.Asp149fs)

Gene: CERKL (CERK like autophagy regulator; minus strand). Cytogenetic location: 2q31.3.
Variant type: Microsatellite.
Coding change: c.444_445dup on transcript NM_201548.5 (MANE Select); coding-DNA positions 444 to 445, 2 bases duplicated (TG; older notation c.444_445dupTG).
Protein change: p.Asp149fs; shifts the reading frame from aspartic acid 149.
Molecular consequence: frameshift variant. On other transcripts: non-coding transcript variant (2).
Genome position (GRCh38, 1-based): chr2:181,603,873-181,603,874, CA duplicated on the plus strand (TG on the coding strand, the reverse complement: CERKL is on the minus strand); duplicating any 2 consecutive bases within chr2:181,603,873-181,603,876 gives the same sequence; the c. name uses the placement nearest the transcript's 3' end. VCF-style (leftmost placement, unchanged base first): chr2-181603872-T-TCA. GRCh37 (hg19) VCF-style: chr2-182468599-T-TCA.
Other names: c.444_445dup, p.Asp149fs (NM_001030311.3, NM_001030312.3, NM_001030313.3 and 1 more transcripts); short protein forms D149fs.
Identifiers: ClinVar variation 4814540 (VCV004814540.1).

ClinVar aggregate classification (germline): Likely pathogenic (1 of 4 stars; one submission).

Conditions:
Retinitis pigmentosa 26 (RP26). Identifiers: Orphanet 791, MedGen C1842127, MONDO:0012024, OMIM 608380.

Submission:

Natera, Inc.
Classification: Likely pathogenic for Retinitis Pigmentosa 26. Last evaluated: 2024-03-05. Review status: criteria provided, single submitter. Criteria: Natera Variant Classification Schema (03/2026). Collection method: clinical testing. Allele origin: germline.
Comment: The c.444_445dupTG variant in CERKL is a frameshift variant predicted to shift the reading frame beginning at codon 149 and leads to a stop codon 22 codons downstream. This variant is expected to result in nonsense mediated decay, truncation, or a dysfunctional protein product. This variant is rare in the general population with a frequency below the threshold expected for the associated phenotype(s). Given the available evidence, this variant is classified as Likely Pathogenic.